The following is an entry in ClinVar:

ClinVar aggregate classification (germline): Uncertain significance (1 of 4 stars; one submission).

Allele frequency attached by ClinVar (database versions not stated): gnomAD exomes 0.00002 and below 0.00001; ExAC 0.00001; gnomAD 0.00001; TOPMed 0.00001.
gnomAD v4.1: 8 of 1,614,032 alleles (0.0005%); highest among the groups gnomAD compares: Admixed American, 0.005%; no homozygotes.

Submission:

Labcorp Genetics (formerly Invitae), Labcorp
Classification: Uncertain significance. Last evaluated: 2021-05-08. Review status: criteria provided, single submitter. Criteria: Invitae Variant Classification Sherloc (09022015). Collection method: clinical testing. Allele origin: germline.
Comment: This variant is present in population databases (rs775187777, ExAC 0.009%). This sequence change replaces alanine with threonine at codon 46 of the SERPING1 protein (p.Ala46Thr). The alanine residue is weakly conserved and there is a small physicochemical difference between alanine and threonine. This variant has not been reported in the literature in individuals with SERPING1-related conditions. Advanced modeling of protein sequence and biophysical properties (such as structural, functional, and spatial information, amino acid conservation, physicochemical variation, residue mobility, and thermodynamic stability) performed at Invitae indicates that this missense variant is not expected to disrupt SERPING1 protein function. In summary, the available evidence is currently insufficient to determine the role of this variant in disease. Therefore, it has been classified as a Variant of Uncertain Significance.

NM_000062.3(SERPING1):c.136G>A (p.Ala46Thr)

Gene: SERPING1 (serpin family G member 1; plus strand). Cytogenetic location: 11q12.1.
Variant type: single nucleotide variant.
Coding change: c.136G>A on transcript NM_000062.3 (MANE Select); coding-DNA position 136, G replaced by A.
Protein change: p.Ala46Thr; replaces alanine 46 with threonine.
Molecular consequence: missense variant.
Genome position (GRCh38, 1-based): chr11:57,599,963, G>A. VCF-style: chr11-57599963-G-A. GRCh37 (hg19) VCF-style: chr11-57367436-G-A.
Other names: c.136G>A, p.Ala46Thr (NM_001032295.2); short protein forms A46T.
Identifiers: ClinVar variation 1486469 (VCV001486469.8), dbSNP rs775187777, ClinGen allele CA6007980.